The following is an entry in ClinVar:

NM_015425.6(POLR1A):c.1323G>A (p.Ala441=)

Gene: POLR1A (RNA polymerase I subunit A; minus strand). Cytogenetic location: 2p11.2.
Variant type: single nucleotide variant.
Coding change: c.1323G>A on transcript NM_015425.6 (MANE Select); coding-DNA position 1323, G replaced by A.
Protein change: p.Ala441=; no amino-acid change (alanine 441 retained).
Molecular consequence: synonymous variant.
Genome position (GRCh38, 1-based): chr2:86,077,916, C>T on the plus strand (G>A on the coding strand, the complement: POLR1A is on the minus strand). VCF-style: chr2-86077916-C-T. GRCh37 (hg19) VCF-style: chr2-86305039-C-T.
Other names: c.1323G>A (NM_015425.3).
Identifiers: ClinVar variation 728127 (VCV000728127.26), dbSNP rs372447807, ClinGen allele CA1746390.

ClinVar aggregate classification (germline): Likely benign. Review status: criteria provided, multiple submitters, no conflicts (2 of 4 stars). 5 submissions from 5 submitters: Likely benign (4). 1 of the submissions does not count toward it. Last evaluated 2026-02-01.

Conditions:
Inborn genetic diseases. Identifiers: MedGen C0950123, MeSH D030342.
POLR1A-related disorder. Also called: POLR1A-related condition.

Allele frequency attached by ClinVar (database versions not stated): ESP Exome Variant Server 0.00024; ExAC 0.00032; TOPMed 0.00039; gnomAD exomes 0.00040; gnomAD 0.00046 and 0.00047.
gnomAD v4.1: 1,099 of 1,613,868 alleles (0.068%); highest among the groups gnomAD compares: Middle Eastern, 0.083%; no homozygotes.

Submissions (5):

CeGaT Center for Human Genetics Tuebingen
Classification: Likely benign. Last evaluated: 2026-02-01. Review status: criteria provided, single submitter. Criteria: CeGaT Center For Human Genetics Tuebingen Variant Classification Criteria Version 2. Collection method: clinical testing. Allele origin: germline. Affected: yes. Observed: 2 variant alleles.
Comment: POLR1A: BP4, BP7

Labcorp Genetics (formerly Invitae), Labcorp
Classification: Likely benign. Last evaluated: 2026-01-08. Review status: criteria provided, single submitter. Criteria: Invitae Variant Classification Sherloc (09022015). Collection method: clinical testing. Allele origin: germline.

Blueprint Genetics
Classification: Likely benign. Last evaluated: 2024-08-09. Review status: criteria provided, single submitter. Criteria: ACMG Guidelines, 2015. Collection method: clinical testing. Allele origin: germline.

Ambry Genetics
Classification: Likely benign for Inborn genetic diseases. Last evaluated: 2023-09-22. Review status: criteria provided, single submitter. Criteria: Ambry Variant Classification Scheme 2023. Collection method: clinical testing. Allele origin: germline.

PreventionGenetics, part of Exact Sciences
Classification: Likely benign for POLR1A-related condition. Last evaluated: 2019-07-10. Review status: no assertion criteria provided. Collection method: clinical testing. Allele origin: germline. Not counted in ClinVar's aggregate classification.
Comment: This variant is classified as likely benign based on ACMG/AMP sequence variant interpretation guidelines (Richards et al. 2015 PMID: 25741868, with internal and published modifications).